The following is an entry in ClinVar:

NM_013339.4(ALG6):c.434C>G (p.Ala145Gly)

Gene: ALG6 (ALG6 alpha-1,3-glucosyltransferase; plus strand). Cytogenetic location: 1p31.3.
Variant type: single nucleotide variant.
Coding change: c.434C>G on transcript NM_013339.4 (MANE Select); coding-DNA position 434, C replaced by G.
Protein change: p.Ala145Gly; replaces alanine 145 with glycine.
Molecular consequence: missense variant.
Genome position (GRCh38, 1-based): chr1:63,407,066, C>G. VCF-style: chr1-63407066-C-G. GRCh37 (hg19) VCF-style: chr1-63872737-C-G.
Other names: c.434C>G (NM_013339.3); short protein forms A145G.
Identifiers: ClinVar variation 1982116 (VCV001982116.5), dbSNP rs2523737427, ClinGen allele CA340634670.
Genomic context (GRCh38, chr1:63,407,066, plus strand): 5'-CCTGCTTGATTTGTGTAACAGATTACTTTCTTATCTCACAATATTTGTCTTTACAGATTG[C>G]TAATGCATTATGCATCTTGCTGTATCCAGGCCTTATTCTTATAGACTATGGACATTTTCA-3'
Protein context (NP_037471.2, residues 135-155): LKEISTKKKI[Ala145Gly]NALCILLYPG

ClinVar aggregate classification (germline): Uncertain significance. Review status: criteria provided, single submitter (1 of 4 stars). 2 submissions from 2 submitters: Uncertain significance (1). 1 of the submissions does not count toward it. Last evaluated 2022-08-16.

Conditions:
ALG6-congenital disorder of glycosylation 1C (CDG1C). Also called: CDG Ic; CARBOHYDRATE-DEFICIENT GLYCOPROTEIN SYNDROME, TYPE I, WITH DEFICIENT GLYCOSYLATION OF DOLICHOL-LINKED OLIGOSACCHARIDE; CARBOHYDRATE-DEFICIENT GLYCOPROTEIN SYNDROME, TYPE V; Congenital disorder of glycosylation type 1C; Congenital disorder of glycosylation, type Ic. Identifiers: Orphanet 79320, MedGen C2930997, MONDO:0011291, OMIM 603147.

gnomAD v4.1: 1 of 1,605,622 alleles (0.000062%); no homozygotes.

Submissions (2):

Labcorp Genetics (formerly Invitae), Labcorp
Classification: Uncertain significance for ALG6-congenital disorder of glycosylation 1C. Last evaluated: 2022-08-16. Review status: criteria provided, single submitter. Criteria: Invitae Variant Classification Sherloc (09022015). Collection method: clinical testing. Allele origin: germline.
Comment: In summary, the available evidence is currently insufficient to determine the role of this variant in disease. Therefore, it has been classified as a Variant of Uncertain Significance. Algorithms developed to predict the effect of sequence changes on RNA splicing suggest that this variant may create or strengthen a splice site. Algorithms developed to predict the effect of missense changes on protein structure and function (SIFT, PolyPhen-2, Align-GVGD) all suggest that this variant is likely to be tolerated. This variant has not been reported in the literature in individuals affected with ALG6-related conditions. This variant is not present in population databases (gnomAD no frequency). This sequence change replaces alanine, which is neutral and non-polar, with glycine, which is neutral and non-polar, at codon 145 of the ALG6 protein (p.Ala145Gly).

Natera, Inc.
Classification: Uncertain significance for Congenital disorder of glycosylation type 1c. Last evaluated: 2025-02-04. Review status: no assertion criteria provided. Collection method: clinical testing. Allele origin: germline. Not counted in ClinVar's aggregate classification.